The following is an entry in ClinVar:

ClinVar aggregate classification (germline): Conflicting classifications of pathogenicity. Review status: criteria provided, conflicting classifications (1 of 4 stars). 2 submissions from 2 submitters: Uncertain significance (1); Likely benign (1). Last evaluated 2025-03-01.

Conditions:
Charcot-Marie-Tooth disease type 2. Also called: Charcot-Marie-Tooth type 2. Identifiers: Orphanet 64746, MedGen C0270914, MONDO:0018993.

Allele frequency attached by ClinVar (database versions not stated): gnomAD exomes below 0.00001 and 0.00001; TOPMed below 0.00001.
gnomAD v4.1: 4 of 1,614,194 alleles (0.00025%); highest among the groups gnomAD compares: Admixed American, 0.0017%; no homozygotes.

Submissions (2):

CeGaT Center for Human Genetics Tuebingen
Classification: Uncertain significance. Last evaluated: 2025-03-01. Review status: criteria provided, single submitter. Criteria: CeGaT Center For Human Genetics Tuebingen Variant Classification Criteria Version 2. Collection method: clinical testing. Allele origin: germline. Affected: yes. Observed: 1 variant allele.
Comment: AARS1: PM2

Labcorp Genetics (formerly Invitae), Labcorp
Classification: Likely benign for Charcot-Marie-Tooth disease type 2. Last evaluated: 2024-07-08. Review status: criteria provided, single submitter. Criteria: Invitae Variant Classification Sherloc (09022015). Collection method: clinical testing. Allele origin: germline.

NM_001605.3(AARS1):c.919G>A (p.Val307Met)

Gene: AARS1 (alanyl-tRNA synthetase 1; minus strand). Cytogenetic location: 16q22.1.
Variant type: single nucleotide variant.
Coding change: c.919G>A on transcript NM_001605.3 (MANE Select); coding-DNA position 919, G replaced by A.
Protein change: p.Val307Met; replaces valine 307 with methionine.
Molecular consequence: missense variant.
Genome position (GRCh38, 1-based): chr16:70,269,661, C>T on the plus strand (G>A on the coding strand, the complement: AARS1 is on the minus strand). VCF-style: chr16-70269661-C-T. GRCh37 (hg19) VCF-style: chr16-70303564-C-T.
Other names: short protein forms V307M.
Identifiers: ClinVar variation 653884 (VCV000653884.15), dbSNP rs1316227824, ClinGen allele CA396564537.